The following is an entry in ClinVar:

NM_001287491.2(TET3):c.1768G>A (p.Val590Met)

Gene: TET3 (tet methylcytosine dioxygenase 3; plus strand). Cytogenetic location: 2p13.1.
Variant type: single nucleotide variant.
Coding change: c.1768G>A on transcript NM_001287491.2 (MANE Select); coding-DNA position 1768, G replaced by A.
Protein change: p.Val590Met; replaces valine 590 with methionine.
Molecular consequence: missense variant.
Genome position (GRCh38, 1-based): chr2:74,047,685, G>A. VCF-style: chr2-74047685-G-A. GRCh37 (hg19) VCF-style: chr2-74274812-G-A.
Other names: c.1489G>A, p.Val497Met (NM_001366022.1); c.1363G>A, p.Val455Met (NM_144993.1); short protein forms V455M, V497M, V590M.
Identifiers: ClinVar variation 3037521 (VCV003037521.2), dbSNP rs72816199, ClinGen allele CA1718670.

ClinVar aggregate classification (germline): Benign (0 of 4 stars; one submission).

Conditions:
TET3-related disorder. Also called: TET3-Related Disease; TET3-related condition.

Allele frequency attached by ClinVar (database versions not stated): gnomAD 0.01413; ESP Exome Variant Server 0.01574; 1000 Genomes Project 0.01597; 1000 Genomes Project 30x 0.01686.
gnomAD v4.1: 7,378 of 1,613,188 alleles (0.46%); highest among the groups gnomAD compares: African/African-American, 4.5%; 86 homozygotes.

Submission:

PreventionGenetics, part of Exact Sciences
Classification: Benign for TET3-related condition. Last evaluated: 2019-12-23. Review status: no assertion criteria provided. Collection method: clinical testing. Allele origin: germline.
Comment: This variant is classified as benign based on ACMG/AMP sequence variant interpretation guidelines (Richards et al. 2015 PMID: 25741868, with internal and published modifications).